The following is an entry in ClinVar:

ClinVar aggregate classification (germline): Uncertain significance (1 of 4 stars; one submission).

Allele frequency attached by ClinVar (database versions not stated): ExAC 0.00002; gnomAD exomes 0.00003 and below 0.00001; TOPMed 0.00001.
gnomAD v4.1: 8 of 1,614,118 alleles (0.0005%); highest among the groups gnomAD compares: Admixed American, 0.0083%; no homozygotes.

Submission:

Labcorp Genetics (formerly Invitae), Labcorp
Classification: Uncertain significance. Last evaluated: 2022-10-18. Review status: criteria provided, single submitter. Criteria: Invitae Variant Classification Sherloc (09022015). Collection method: clinical testing. Allele origin: germline.
Comment: This sequence change replaces cysteine, which is neutral and slightly polar, with tyrosine, which is neutral and polar, at codon 763 of the MCM3AP protein (p.Cys763Tyr). This variant is present in population databases (rs773752531, gnomAD 0.02%). This variant has not been reported in the literature in individuals affected with MCM3AP-related conditions. ClinVar contains an entry for this variant (Variation ID: 1372642). Algorithms developed to predict the effect of missense changes on protein structure and function (SIFT, PolyPhen-2, Align-GVGD) all suggest that this variant is likely to be disruptive. In summary, the available evidence is currently insufficient to determine the role of this variant in disease. Therefore, it has been classified as a Variant of Uncertain Significance.

NM_003906.5(MCM3AP):c.2288G>A (p.Cys763Tyr)

Gene: MCM3AP (minichromosome maintenance complex component 3 associated protein; minus strand). Cytogenetic location: 21q22.3.
Variant type: single nucleotide variant.
Coding change: c.2288G>A on transcript NM_003906.5 (MANE Select); coding-DNA position 2288, G replaced by A.
Protein change: p.Cys763Tyr; replaces cysteine 763 with tyrosine.
Molecular consequence: missense variant.
Genome position (GRCh38, 1-based): chr21:46,272,738, C>T on the plus strand (G>A on the coding strand, the complement: MCM3AP is on the minus strand). VCF-style: chr21-46272738-C-T. GRCh37 (hg19) VCF-style: chr21-47692652-C-T.
Other names: short protein forms C763Y.
Identifiers: ClinVar variation 1372642 (VCV001372642.5), dbSNP rs773752531, ClinGen allele CA10076838.